The following is an entry in ClinVar:

ClinVar aggregate classification (germline): Uncertain significance. Review status: criteria provided, multiple submitters, no conflicts (2 of 4 stars). 3 submissions from 3 submitters: Uncertain significance (3). Last evaluated 2025-08-07.

Conditions:
Basal cell carcinoma, susceptibility to, 1. Also called: BCC1. Identifiers: MedGen C2751544, MONDO:0011556, OMIM 605462.
Basal cell nevus syndrome 1 (BCNS1). Also called: GORLIN-GOLTZ SYNDROME; MULTIPLE BASAL CELL NEVI, ODONTOGENIC KERATOCYSTS, AND SKELETAL ANOMALIES. Identifiers: MedGen CN376810, MONDO:0958174, OMIM 109400.
Holoprosencephaly 7 (HPE7). Identifiers: Orphanet 2162, MedGen C1835820, MONDO:0012562, OMIM 610828.
Hereditary cancer-predisposing syndrome. Also called: Neoplastic Syndromes, Hereditary; Hereditary neoplastic syndrome; Tumor predisposition; Hereditary Cancer Syndrome. Identifiers: Orphanet 140162, MedGen C0027672, MeSH D009386, MONDO:0015356.
Gorlin syndrome. Also called: Nevoid Basal Cell Carcinoma Syndrome; Basal cell nevus syndrome. Identifiers: Orphanet 377, MedGen C0004779, MONDO:0007187.

Allele frequency attached by ClinVar (database versions not stated): gnomAD exomes below 0.00001; TOPMed below 0.00001.
gnomAD v4.1: 1 of 1,614,236 alleles (0.000062%); highest among the groups gnomAD compares: South Asian, 0.0011%; no homozygotes.

Submissions (3):

Labcorp Genetics (formerly Invitae), Labcorp
Classification: Uncertain significance for Gorlin syndrome. Last evaluated: 2025-08-07. Review status: criteria provided, single submitter. Criteria: Invitae Variant Classification Sherloc (09022015). Collection method: clinical testing. Allele origin: germline.
Comment: This sequence change replaces arginine, which is basic and polar, with cysteine, which is neutral and slightly polar, at codon 1025 of the PTCH1 protein (p.Arg1025Cys). This variant is not present in population databases (gnomAD no frequency). This variant has not been reported in the literature in individuals affected with PTCH1-related conditions. ClinVar contains an entry for this variant (Variation ID: 1504393). Invitae Evidence Modeling of protein sequence and biophysical properties (such as structural, functional, and spatial information, amino acid conservation, physicochemical variation, residue mobility, and thermodynamic stability) has been performed for this missense variant. However, the output from this modeling did not meet the statistical confidence thresholds required to predict the impact of this variant on PTCH1 protein function. In summary, the available evidence is currently insufficient to determine the role of this variant in disease. Therefore, it has been classified as a Variant of Uncertain Significance.

Ambry Genetics
Classification: Uncertain significance for Hereditary cancer-predisposing syndrome. Last evaluated: 2024-12-14. Review status: criteria provided, single submitter. Criteria: Ambry Variant Classification Scheme 2023. Collection method: clinical testing. Allele origin: germline.
Comment: The p.R1025C variant (also known as c.3073C>T), located in coding exon 18 of the PTCH1 gene, results from a C to T substitution at nucleotide position 3073. The arginine at codon 1025 is replaced by cysteine, an amino acid with highly dissimilar properties. This amino acid position is conserved. In addition, this alteration is predicted to be deleterious by in silico analysis. Based on the available evidence, the clinical significance of this variant remains unclear.

Juno Genomics, Hangzhou Juno Genomics, Inc
Classification: Uncertain significance for Basal cell nevus syndrome 1; Basal cell carcinoma, susceptibility to, 1; Holoprosencephaly 7. Review status: criteria provided, single submitter. Criteria: ACMG Guidelines, 2015. Collection method: clinical testing. Allele origin: germline.
Comment: Absent from controls (or at extremely low frequency if recessive) in Genome Aggregation Database.;Missense variant in a gene that has a low rate of benign missense variation.;Multiple lines of computational evidence support a deleterious effect on the gene or gene product.

NM_000264.5(PTCH1):c.3073C>T (p.Arg1025Cys)

Gene: PTCH1 (patched 1; minus strand). Cytogenetic location: 9q22.32.
Variant type: single nucleotide variant.
Coding change: c.3073C>T on transcript NM_000264.5 (MANE Select); coding-DNA position 3073, C replaced by T.
Protein change: p.Arg1025Cys; replaces arginine 1025 with cysteine.
Molecular consequence: missense variant. On other transcripts: non-coding transcript variant (1).
Genome position (GRCh38, 1-based): chr9:95,458,108, G>A on the plus strand (C>T on the coding strand, the complement: PTCH1 is on the minus strand). VCF-style: chr9-95458108-G-A. GRCh37 (hg19) VCF-style: chr9-98220390-G-A.
Other names: c.3073C>T (NM_000264.3); c.2875C>T, p.Arg959Cys (NM_001083602.3); c.3070C>T, p.Arg1024Cys (NM_001083603.3); c.2620C>T, p.Arg874Cys (NM_001083604.3, NM_001083605.3, NM_001083606.3 and 1 more transcripts); c.2917C>T, p.Arg973Cys (NM_001354918.2); short protein forms R1025C, R959C, R973C, R874C, R1024C.
Identifiers: ClinVar variation 1504393 (VCV001504393.9), dbSNP rs1839109856, ClinGen allele CA374112445.
Genomic context (GRCh38, chr9:95,458,108, plus strand): 5'-CAGCGCACACGAGGAATGTGCAGGCCAACACCACGCTGATGAACAGCAGCAGCCAGTGGC[G>A]GAGGCCGATGTACTGCTCCCAGAAGAGGAAGGGGTAGCCGTTGGGGTAACTGGACAGCCC-3'
Protein context (NP_000255.2, residues 1015-1035): FLFWEQYIGL[Arg1025Cys]HWLLLFISVV